The following is an entry in ClinVar:

ClinVar aggregate classification (germline): Pathogenic/Likely pathogenic. Review status: criteria provided, multiple submitters, no conflicts (2 of 4 stars). 2 submissions from 2 submitters: Pathogenic (1); Likely pathogenic (1). Last evaluated 2016-03-18.

Conditions:
Prekallikrein deficiency. Also called: PKK DEFICIENCY; FLETCHER FACTOR DEFICIENCY. Identifiers: MedGen C0272339, MONDO:0044744.
Inherited prekallikrein deficiency. Identifiers: Orphanet 749, MedGen CN305372, MONDO:0012901, OMIM 612423.

Allele frequency attached by ClinVar (database versions not stated): ExAC 0.00001; gnomAD 0.00001 and 0.00002; gnomAD exomes 0.00001; TOPMed 0.00004; 1000 Genomes Project 30x 0.00016; 1000 Genomes Project 0.00020.
gnomAD v4.1: 24 of 1,614,000 alleles (0.0015%); highest among the groups gnomAD compares: East Asian, 0.045%; no homozygotes.

Submissions (2):

Soonchunhyang University Bucheon Hospital, Soonchunhyang University Medical Center
Classification: Likely pathogenic for Inherited prekallikrein deficiency. Last evaluated: 2016-03-18. Review status: criteria provided, single submitter. Criteria: ACMG Guidelines, 2015. Collection method: reference population. Allele origin: germline. Observed: 1 variant allele.

Juno Genomics, Hangzhou Juno Genomics, Inc
Classification: Pathogenic for Inherited prekallikrein deficiency. Review status: criteria provided, single submitter. Criteria: ACMG Guidelines, 2015. Collection method: clinical testing. Allele origin: germline. Affected: yes.
Comment: Absent from controls (or at extremely low frequency if recessive) in Genome Aggregation Database, Exome Sequencing Project, 1000 Genomes Project, or Exome Aggregation Consortium.;Multiple lines of computational evidence support a deleterious effect on the gene or gene product (conservation, evolutionary, splicing impact, etc).;For recessive disorders, detected in trans with a pathogenic variant.;Co-segregation with disease in multiple affected family members in a gene definitively known to cause the disease.

Literature cited by the submitters: PubMed 12871337 (cited by Soonchunhyang University Bucheon Hospital, Soonchunhyang University Medical Center).

NM_000892.5(KLKB1):c.1259G>A (p.Gly420Glu)

Gene: KLKB1 (kallikrein B1; plus strand). Cytogenetic location: 4q35.2.
Variant type: single nucleotide variant.
Coding change: c.1259G>A on transcript NM_000892.5 (MANE Select); coding-DNA position 1259, G replaced by A.
Protein change: p.Gly420Glu; replaces glycine 420 with glutamic acid.
Molecular consequence: missense variant.
Genome position (GRCh38, 1-based): chr4:186,252,131, G>A. VCF-style: chr4-186252131-G-A. GRCh37 (hg19) VCF-style: chr4-187173285-G-A.
Other names: c.1145G>A, p.Gly382Glu (NM_001318394.2); c.653G>A, p.Gly218Glu (NM_001318396.2); short protein forms G420E, G382E, G218E.
Identifiers: ClinVar variation 225400 (VCV000225400.3), dbSNP rs186254196, ClinGen allele CA3163339.
Genomic context (GRCh38, chr4:186,252,131, plus strand): 5'-GAGAGTGGCCCTGGCAGGTGAGCCTGCAGGTGAAGCTGACAGCTCAGAGGCACCTGTGTG[G>A]AGGGTCACTCATAGGACACCAGTGGGTCCTCACTGCTGCCCACTGCTTTGATGGGTAAGT-3'
Protein context (NP_000883.2, residues 410-430): VKLTAQRHLC[Gly420Glu]GSLIGHQWVL